The following is an entry in ClinVar:

NM_004655.4(AXIN2):c.317del (p.Asp106fs)

Gene: AXIN2 (axin 2; minus strand). Cytogenetic location: 17q24.1.
Variant type: Deletion.
Coding change: c.317del on transcript NM_004655.4 (MANE Select); coding-DNA position 317, one base deleted (A; older notation c.317delA).
Protein change: p.Asp106fs; shifts the reading frame from aspartic acid 106.
Molecular consequence: frameshift variant.
Genome position (GRCh38, 1-based): chr17:65,558,304, T deleted on the plus strand (A on the coding strand, the reverse complement: AXIN2 is on the minus strand). VCF-style (leftmost placement, unchanged base first): chr17-65558303-AT-A. GRCh37 (hg19) VCF-style: chr17-63554421-AT-A.
Other names: c.317del, p.Asp106fs (NM_001363813.1); short protein forms D106fs.
Identifiers: ClinVar variation 3814334 (VCV003814334.1).

ClinVar aggregate classification (germline): Pathogenic (1 of 4 stars; one submission).

Conditions:
Hereditary cancer-predisposing syndrome. Also called: Hereditary neoplastic syndrome; Neoplastic Syndromes, Hereditary; Tumor predisposition; Hereditary Cancer Syndrome. Identifiers: Orphanet 140162, MedGen C0027672, MeSH D009386, MONDO:0015356.

Submission:

Ambry Genetics
Classification: Pathogenic for Hereditary cancer-predisposing syndrome. Last evaluated: 2025-01-16. Review status: criteria provided, single submitter. Criteria: Ambry Variant Classification Scheme 2023. Collection method: clinical testing. Allele origin: germline.
Comment: The c.317delA pathogenic mutation, located in coding exon 1 of the AXIN2 gene, results from a deletion of one nucleotide at nucleotide position 317, causing a translational frameshift with a predicted alternate stop codon (p.D106Vfs*3). This alteration is expected to result in loss of function by premature protein truncation or nonsense-mediated mRNA decay. As such, this alteration is interpreted as a disease-causing mutation.